The following is an entry in ClinVar:

ClinVar aggregate classification (germline): Likely pathogenic. Review status: criteria provided, multiple submitters, no conflicts (2 of 4 stars). 2 submissions from 2 submitters: Likely pathogenic (2). Last evaluated 2023-08-28.

Conditions:
Seizures, benign familial infantile, 3 (BFIS3). Also called: Familial neonatal seizures; CONVULSIONS, BENIGN FAMILIAL INFANTILE, 3. Identifiers: Orphanet 140927, Orphanet 306, MedGen C1843140, MONDO:0011904, OMIM 607745.
Developmental and epileptic encephalopathy, 11 (DEE11). Also called: Early infantile epileptic encephalopathy 11. Identifiers: Orphanet 1934, MedGen C3150987, MONDO:0013388, OMIM 613721.

Submissions (2):

GeneDx
Classification: Likely pathogenic. Last evaluated: 2023-08-28. Review status: criteria provided, single submitter. Criteria: GeneDx Variant Classification Process June 2021. Collection method: clinical testing. Allele origin: germline. Affected: yes.
Comment: Not observed at significant frequency in large population cohorts (gnomAD); In silico analysis supports that this missense variant has a deleterious effect on protein structure/function; Missense variants in this gene are often considered pathogenic (HGMD); This substitution is predicted to be within the transmembrane segment S1 of the third homologous domain; Has not been previously published as pathogenic or benign to our knowledge

Labcorp Genetics (formerly Invitae), Labcorp
Classification: Likely pathogenic for Seizures, benign familial infantile, 3; Developmental and epileptic encephalopathy, 11. Last evaluated: 2019-07-19. Review status: criteria provided, single submitter. Criteria: Invitae Variant Classification Sherloc (09022015). Collection method: clinical testing. Allele origin: germline.
Comment: In summary, the currently available evidence indicates that the variant is pathogenic, but additional data are needed to prove that conclusively. Therefore, this variant has been classified as Likely Pathogenic. Algorithms developed to predict the effect of missense changes on protein structure and function are either unavailable or do not agree on the potential impact of this missense change (SIFT: "Deleterious"; PolyPhen-2: "Probably Damaging"; Align-GVGD: "Class C0"). This variant has been observed to be de novo in an individual affected with benign neonatal seizures (Invitae). This variant is not present in population databases (ExAC no frequency). This sequence change replaces threonine with proline at codon 1212 of the SCN2A protein (p.Thr1212Pro). The threonine residue is highly conserved and there is a small physicochemical difference between threonine and proline.

NM_001040142.2(SCN2A):c.3634A>C (p.Thr1212Pro)

Gene: SCN2A (sodium voltage-gated channel alpha subunit 2; plus strand). Cytogenetic location: 2q24.3.
Variant type: single nucleotide variant.
Coding change: c.3634A>C on transcript NM_001040142.2 (MANE Select); coding-DNA position 3634, A replaced by C.
Protein change: p.Thr1212Pro; replaces threonine 1212 with proline.
Molecular consequence: missense variant.
Genome position (GRCh38, 1-based): chr2:165,367,330, A>C. VCF-style: chr2-165367330-A-C. GRCh37 (hg19) VCF-style: chr2-166223840-A-C.
Other names: c.3634A>C, p.Thr1212Pro (NM_001040143.2, NM_001371246.1, NM_001371247.1 and 1 more transcripts); short protein forms T1212P.
Identifiers: ClinVar variation 839313 (VCV000839313.11), dbSNP rs1700783234, ClinGen allele CA349026266.